The following is an entry in ClinVar:

ClinVar aggregate classification (germline): Conflicting classifications of pathogenicity. Review status: criteria provided, conflicting classifications (1 of 4 stars). 3 submissions from 2 submitters: Uncertain significance (1); Benign (1); Likely benign (1). Last evaluated 2025-09-06.

Conditions:
Complement component 2 deficiency (C2D). Also called: C2 deficiency. Identifiers: MedGen C0398756, MONDO:0009006, OMIM 217000.
Age related macular degeneration 14. Also called: MACULAR DEGENERATION, AGE-RELATED, 14, REDUCED RISK OF. Identifiers: MedGen C3809653, MONDO:0014207, OMIM 615489.

Allele frequency attached by ClinVar (database versions not stated): 1000 Genomes Project 30x 0.00016; gnomAD 0.00017 and 0.00020; 1000 Genomes Project 0.00020; TOPMed 0.00026; ExAC 0.00048; gnomAD exomes 0.00049.
gnomAD v4.1: 323 of 1,613,062 alleles (0.02%); highest among the groups gnomAD compares: East Asian, 0.64%; 1 homozygote.

Submissions (3):

Labcorp Genetics (formerly Invitae), Labcorp
Classification: Benign. Last evaluated: 2025-09-06. Review status: criteria provided, single submitter. Criteria: Invitae Variant Classification Sherloc (09022015). Collection method: clinical testing. Allele origin: germline.

Illumina Laboratory Services, Illumina
Classification: Uncertain significance for Complement component 2 deficiency. Last evaluated: 2018-01-12. Review status: criteria provided, single submitter. Criteria: ICSL Variant Classification Criteria 13 December 2019. Collection method: clinical testing. Allele origin: germline.

Illumina Laboratory Services, Illumina
Classification: Likely benign for Age related macular degeneration 14. Last evaluated: 2018-01-12. Review status: criteria provided, single submitter. Criteria: ICSL Variant Classification Criteria 13 December 2019. Collection method: clinical testing. Allele origin: germline.
Comment: This variant was observed in the ICSL laboratory as part of a predisposition screen in an ostensibly healthy population. It had not been previously curated by ICSL or reported in the Human Gene Mutation Database (HGMD: prior to June 1st, 2018), and was therefore a candidate for classification through an automated scoring system. Utilizing variant allele frequency, disease prevalence and penetrance estimates, and inheritance mode, an automated score was calculated to assess if this variant is too frequent to cause the disease. Based on the score and internal cut-off values, a variant classified as likely benign is not then subjected to further curation. The score for this variant resulted in a classification of likely benign for this disease.

NM_000063.6(C2):c.936C>G (p.Asn312Lys)

Genes: C2-AS1 (C2 antisense RNA 1; minus strand), C2 (complement C2; plus strand). Cytogenetic location: 6p21.33.
Variant type: single nucleotide variant.
Coding change: c.936C>G on transcript NM_000063.6 (MANE Select); coding-DNA position 936, C replaced by G.
Protein change: p.Asn312Lys; replaces asparagine 312 with lysine.
Molecular consequence: missense variant. On other transcripts: intron variant (1).
Genome position (GRCh38, 1-based): chr6:31,936,009, C>G. VCF-style: chr6-31936009-C-G. GRCh37 (hg19) VCF-style: chr6-31903786-C-G.
Other names: c.540C>G, p.Asn180Lys (NM_001145903.3); c.198C>G, p.Asn66Lys (NM_001282457.2); c.849C>G, p.Asn283Lys (NM_001282458.2); c.347-1310C>G (NM_001178063.3); short protein forms N66K, N180K, N283K, N312K.
Identifiers: ClinVar variation 907959 (VCV000907959.11), dbSNP rs532091149, ClinGen allele CA3727573.
Genomic context (GRCh38, chr6:31,936,009, plus strand): 5'-CGTTGCCATTATCACCTTTGCCTCAGAGCCCAAAGTCCTCATGTCTGTCCTGAACGACAA[C>G]TCCCGGGATATGACTGAGGTGATCAGCAGCCTGGAAAATGCCAACTATAAAGGTACGGGT-3'
Protein context (NP_000054.2, residues 302-322): PKVLMSVLND[Asn312Lys]SRDMTEVISS